The following is an entry in ClinVar:

ClinVar aggregate classification (germline): Uncertain significance (1 of 4 stars; one submission).

Submission:

Dasa
Classification: Uncertain significance. Last evaluated: 2026-05-08. Review status: criteria provided, single submitter. Criteria: DASA Assertion Criteria. Collection method: clinical testing. Allele origin: germline.
Comment: NM_002693.3(POLG):c.2716C>T (p.His906Tyr) is a missense variant that results in the substitution of histidine with tyrosine. This variant is rare in population databases. The currently available literature and clinical evidence are not sufficient to establish a definitive association between this variant and the reported condition. Therefore, this variant is classified as a variant of uncertain significance.

NM_002693.3(POLG):c.2716C>T (p.His906Tyr)

Gene: POLG (DNA polymerase gamma, catalytic subunit; minus strand). Cytogenetic location: 15q26.1.
Variant type: single nucleotide variant.
Coding change: c.2716C>T on transcript NM_002693.3 (MANE Select); coding-DNA position 2716, C replaced by T.
Protein change: p.His906Tyr; replaces histidine 906 with tyrosine.
Molecular consequence: missense variant.
Genome position (GRCh38, 1-based): chr15:89,321,143, G>A on the plus strand (C>T on the coding strand, the complement: POLG is on the minus strand). VCF-style: chr15-89321143-G-A. GRCh37 (hg19) VCF-style: chr15-89864374-G-A.
Other names: c.2716C>T, p.His906Tyr (NM_001126131.2); short protein forms H906Y.
Identifiers: ClinVar variation 5020596 (VCV005020596.1).
Genomic context (GRCh38, chr15:89,321,143, plus strand): 5'-ATGCTGAGGGGCTGGGCTGCCCCAACCCCGGCTCCTGCTCACCATGCATGCCGGCAAAGT[G>A]GGCGTCTCCAAGCACAGCTGCAATCCACAGCTCTTGGGAGTCCACATCAGCACCCACAAG-3'
Protein context (NP_002684.1, residues 896-916): LWIAAVLGDA[His906Tyr]FAGMHGCTAF